The following is an entry in ClinVar:

NM_000834.5(GRIN2B):c.2497C>T (p.Leu833Phe)

Gene: GRIN2B (glutamate ionotropic receptor NMDA type subunit 2B; minus strand). Cytogenetic location: 12p13.1.
Variant type: single nucleotide variant.
Coding change: c.2497C>T on transcript NM_000834.5 (MANE Select); coding-DNA position 2497, C replaced by T.
Protein change: p.Leu833Phe; replaces leucine 833 with phenylalanine.
Molecular consequence: missense variant.
Genome position (GRCh38, 1-based): chr12:13,567,126, G>A on the plus strand (C>T on the coding strand, the complement: GRIN2B is on the minus strand). VCF-style: chr12-13567126-G-A. GRCh37 (hg19) VCF-style: chr12-13720060-G-A.
Other names: c.2497C>T, p.Leu833Phe (NM_001413992.1); short protein forms L833F.
Identifiers: ClinVar variation 5037035 (VCV005037035.1).
Genomic context (GRCh38, chr12:13,567,126, plus strand): 5'-CACCCATAAAGCAATGTCGGAACTGCCAATAGAAAAGGTGTTCGCAGATGAAGGTGATGA[G>A]GCTGAGAGCCATGGCCGCCCCCAACATGTAGAAGACCCCTGCCATGTTGTCAATGTCCAG-3'
Protein context (NP_000825.2, residues 823-843): YMLGAAMALS[Leu833Phe]ITFICEHLFY

ClinVar aggregate classification (germline): Uncertain significance (1 of 4 stars; one submission).

Submission:

GeneDx
Classification: Uncertain significance. Last evaluated: 2026-04-14. Review status: criteria provided, single submitter. Criteria: GeneDx Variant Classification Process June 2021. Collection method: clinical testing. Allele origin: germline.
Comment: Not observed at significant frequency in large population cohorts (gnomAD); In silico analysis supports that this missense variant has a deleterious effect on protein structure/function; Has not been previously published as pathogenic or benign to our knowledge; This variant is associated with the following publications: (PMID: 27839871)